The following is an entry in ClinVar:

NM_004963.4(GUCY2C):c.518A>G (p.Asn173Ser)

Genes: GUCY2C (guanylate cyclase 2C; minus strand), GUCY2C-AS1 (GUCY2C antisense RNA 1; plus strand). Cytogenetic location: 12p12.3.
Variant type: single nucleotide variant.
Coding change: c.518A>G on transcript NM_004963.4 (MANE Select); coding-DNA position 518, A replaced by G.
Protein change: p.Asn173Ser; replaces asparagine 173 with serine.
Molecular consequence: missense variant.
Genome position (GRCh38, 1-based): chr12:14,683,135, T>C on the plus strand (A>G on the coding strand, the complement: GUCY2C is on the minus strand). VCF-style: chr12-14683135-T-C. GRCh37 (hg19) VCF-style: chr12-14836069-T-C.
Other names: short protein forms N173S.
Identifiers: ClinVar variation 2332394 (VCV002332394.5), dbSNP rs2497801621, ClinGen allele CA384006276.

ClinVar aggregate classification (germline): Uncertain significance. Review status: criteria provided, multiple submitters, no conflicts (2 of 4 stars). 2 submissions from 2 submitters: Uncertain significance (2). Last evaluated 2025-11-07.

Conditions:
Inborn genetic diseases. Identifiers: MedGen C0950123, MeSH D030342.

gnomAD v4.1: 1 of 1,613,388 alleles (0.000062%); no homozygotes.

Submissions (2):

Labcorp Genetics (formerly Invitae), Labcorp
Classification: Uncertain significance. Last evaluated: 2025-11-07. Review status: criteria provided, single submitter. Criteria: Invitae Variant Classification Sherloc (09022015). Collection method: clinical testing. Allele origin: germline.
Comment: This sequence change replaces asparagine, which is neutral and polar, with serine, which is neutral and polar, at codon 173 of the GUCY2C protein (p.Asn173Ser). This variant is not present in population databases (gnomAD no frequency). This variant has not been reported in the literature in individuals affected with GUCY2C-related conditions. ClinVar contains an entry for this variant (Variation ID: 2332394). Invitae Evidence Modeling of protein sequence and biophysical properties (such as structural, functional, and spatial information, amino acid conservation, physicochemical variation, residue mobility, and thermodynamic stability) indicates that this missense variant is not expected to disrupt GUCY2C protein function with a negative predictive value of 80%. In summary, the available evidence is currently insufficient to determine the role of this variant in disease. Therefore, it has been classified as a Variant of Uncertain Significance.

Ambry Genetics
Classification: Uncertain significance for Inborn genetic diseases. Last evaluated: 2022-12-05. Review status: criteria provided, single submitter. Criteria: Ambry Variant Classification Scheme 2023. Collection method: clinical testing. Allele origin: germline.